The following is an entry in ClinVar:

NM_001363711.2(DUOX2):c.2945C>T (p.Pro982Leu)

Gene: DUOX2 (dual oxidase 2; minus strand). Cytogenetic location: 15q21.1.
Variant type: single nucleotide variant.
Coding change: c.2945C>T on transcript NM_001363711.2 (MANE Select); coding-DNA position 2945, C replaced by T.
Protein change: p.Pro982Leu; replaces proline 982 with leucine.
Molecular consequence: missense variant.
Genome position (GRCh38, 1-based): chr15:45,100,815, G>A on the plus strand (C>T on the coding strand, the complement: DUOX2 is on the minus strand). VCF-style: chr15-45100815-G-A. GRCh37 (hg19) VCF-style: chr15-45393013-G-A.
Other names: c.2945C>T, p.Pro982Leu (NM_014080.5); c.2945C>T (NM_014080.4); short protein forms P982L.
Identifiers: ClinVar variation 2052786 (VCV002052786.2), dbSNP rs1304506273, ClinGen allele CA392264735.

ClinVar aggregate classification (germline): Conflicting classifications of pathogenicity. Review status: criteria provided, conflicting classifications (1 of 4 stars). 2 submissions from 2 submitters: Uncertain significance (1); Likely benign (1). Last evaluated 2025-03-15.

Conditions:
Inborn genetic diseases. Identifiers: MedGen C0950123, MeSH D030342.

Allele frequency attached by ClinVar (database versions not stated): gnomAD exomes 0.00003; gnomAD 0.00005.

Submissions (2):

Ambry Genetics
Classification: Likely benign for Inborn genetic diseases. Last evaluated: 2025-03-15. Review status: criteria provided, single submitter. Criteria: Ambry Variant Classification Scheme 2023. Collection method: clinical testing. Allele origin: germline.

Labcorp Genetics (formerly Invitae), Labcorp
Classification: Uncertain significance. Last evaluated: 2022-10-07. Review status: criteria provided, single submitter. Criteria: Invitae Variant Classification Sherloc (09022015). Collection method: clinical testing. Allele origin: germline.
Comment: This sequence change replaces proline, which is neutral and non-polar, with leucine, which is neutral and non-polar, at codon 982 of the DUOX2 protein (p.Pro982Leu). This variant is present in population databases (no rsID available, gnomAD 0.003%). This variant has not been reported in the literature in individuals affected with DUOX2-related conditions. Advanced modeling of protein sequence and biophysical properties (such as structural, functional, and spatial information, amino acid conservation, physicochemical variation, residue mobility, and thermodynamic stability) performed at Invitae indicates that this missense variant is not expected to disrupt DUOX2 protein function. In summary, the available evidence is currently insufficient to determine the role of this variant in disease. Therefore, it has been classified as a Variant of Uncertain Significance.